The following is an entry in ClinVar:

ClinVar aggregate classification (germline): Uncertain significance (1 of 4 stars; one submission).

Conditions:
DICER1-related tumor predisposition. Also called: DICER1 syndrome; DICER1-related pleuropulmonary blastoma cancer predisposition syndrome. Identifiers: Orphanet 284343, MedGen C3839822, MONDO:0100216.

Submission:

Labcorp Genetics (formerly Invitae), Labcorp
Classification: Uncertain significance for DICER1-related tumor predisposition. Last evaluated: 2024-07-30. Review status: criteria provided, single submitter. Criteria: Invitae Variant Classification Sherloc (09022015). Collection method: clinical testing. Allele origin: germline.
Comment: This sequence change replaces serine, which is neutral and polar, with proline, which is neutral and non-polar, at codon 1631 of the DICER1 protein (p.Ser1631Pro). This variant is not present in population databases (gnomAD no frequency). This variant has not been reported in the literature in individuals affected with DICER1-related conditions. ClinVar contains an entry for this variant (Variation ID: 578622). An algorithm developed to predict the effect of missense changes on protein structure and function outputs the following: PolyPhen-2: "Benign". The proline amino acid residue is found in multiple mammalian species, which suggests that this missense change does not adversely affect protein function. In summary, the available evidence is currently insufficient to determine the role of this variant in disease. Therefore, it has been classified as a Variant of Uncertain Significance.

NM_177438.3(DICER1):c.4891T>C (p.Ser1631Pro)

Gene: DICER1 (dicer 1, ribonuclease III; minus strand). Cytogenetic location: 14q32.13.
Variant type: single nucleotide variant.
Coding change: c.4891T>C on transcript NM_177438.3 (MANE Select); coding-DNA position 4891, T replaced by C.
Protein change: p.Ser1631Pro; replaces serine 1631 with proline.
Molecular consequence: missense variant.
Genome position (GRCh38, 1-based): chr14:95,096,029, A>G on the plus strand (T>C on the coding strand, the complement: DICER1 is on the minus strand). VCF-style: chr14-95096029-A-G. GRCh37 (hg19) VCF-style: chr14-95562366-A-G.
Other names: c.4891T>C, p.Ser1631Pro (NM_001291628.2, NM_030621.4, NM_001195573.1 and 1 more transcripts); short protein forms S1631P.
Identifiers: ClinVar variation 578622 (VCV000578622.10), dbSNP rs145551486, ClinGen allele CA390866459.